The following is an entry in ClinVar:

NM_021956.5(GRIK2):c.2532C>G (p.Tyr844Ter)

Gene: GRIK2 (glutamate ionotropic receptor kainate type subunit 2; plus strand). Cytogenetic location: 6q16.3.
Variant type: single nucleotide variant.
Coding change: c.2532C>G on transcript NM_021956.5 (MANE Select); coding-DNA position 2532, C replaced by G.
Protein change: p.Tyr844Ter; replaces tyrosine 844 with a stop codon.
Molecular consequence: nonsense.
Genome position (GRCh38, 1-based): chr6:102,055,550, C>G. VCF-style: chr6-102055550-C-G. GRCh37 (hg19) VCF-style: chr6-102503425-C-G.
Other names: c.2532C>G, p.Tyr844Ter (NM_001166247.1, NM_175768.3); short protein forms Y844*.
Identifiers: ClinVar variation 2429651 (VCV002429651.4), dbSNP rs1190604743, ClinGen allele CA365311820.

ClinVar aggregate classification (germline): Uncertain significance (1 of 4 stars; one submission).

Submission:

GeneDx
Classification: Uncertain significance. Last evaluated: 2024-09-06. Review status: criteria provided, single submitter. Criteria: GeneDx Variant Classification Process June 2021. Collection method: clinical testing. Allele origin: germline. Affected: yes.
Comment: Not observed at significant frequency in large population cohorts (gnomAD); Nonsense variant predicted to result in protein truncation as the last 65 amino acids are lost, although loss-of-function variants have not been reported downstream of this position in the protein; Has not been previously published as pathogenic or benign to our knowledge